The following is an entry in ClinVar:

ClinVar aggregate classification (germline): Conflicting classifications of pathogenicity. Review status: criteria provided, conflicting classifications (1 of 4 stars). 3 submissions from 3 submitters: Uncertain significance (2); Likely benign (1). Last evaluated 2026-04-14.

Conditions:
Familial intrahepatic cholestasis. Identifiers: Orphanet 284385, MedGen CN296401, MONDO:0017290.

Allele frequency attached by ClinVar (database versions not stated): TOPMed below 0.00001; ExAC 0.00005; gnomAD exomes 0.00005.
gnomAD v4.1: 71 of 1,614,180 alleles (0.0044%); highest among the groups gnomAD compares: South Asian, 0.063%; 3 homozygotes.

Submissions (3):

Genomenon, Inc
Classification: Uncertain significance for Familial intrahepatic cholestasis. Last evaluated: 2026-04-14. Review status: criteria provided, single submitter. Criteria: Genomenon Sequence Variant Interpretation Standards - Updated. Collection method: curation. Allele origin: germline. Affected: no.
Comment: ATP8B1 p.Ile513Thr (c.1538T>C) is a missense variant that changes the amino acid at residue 513 from Isoleucine to Threonine. This variant has been reported in the published literature (PMID:37208429). In conclusion, we classify ATP8B1 p.Ile513Thr (c.1538T>C) as a variant of uncertain significance.

Labcorp Genetics (formerly Invitae), Labcorp
Classification: Likely benign. Last evaluated: 2026-01-11. Review status: criteria provided, single submitter. Criteria: Invitae Variant Classification Sherloc (09022015). Collection method: clinical testing. Allele origin: germline.

Revvity Omics, Revvity
Classification: Uncertain significance. Last evaluated: 2020-12-04. Review status: criteria provided, single submitter. Criteria: ACMG Guidelines, 2015. Collection method: clinical testing. Allele origin: germline.

Literature cited by the submitters: PubMed 37208429 (cited by Genomenon, Inc).

NM_001374385.1(ATP8B1):c.1538T>C (p.Ile513Thr)

Gene: ATP8B1 (ATPase phospholipid transporting 8B1; minus strand). Cytogenetic location: 18q21.31.
Variant type: single nucleotide variant.
Coding change: c.1538T>C on transcript NM_001374385.1 (MANE Select); coding-DNA position 1538, T replaced by C.
Protein change: p.Ile513Thr; replaces isoleucine 513 with threonine.
Molecular consequence: missense variant.
Genome position (GRCh38, 1-based): chr18:57,684,128, A>G on the plus strand (T>C on the coding strand, the complement: ATP8B1 is on the minus strand). VCF-style: chr18-57684128-A-G. GRCh37 (hg19) VCF-style: chr18-55351360-A-G.
Other names: c.1388T>C, p.Ile463Thr (NM_001374386.1); c.1538T>C, p.Ile513Thr (NM_005603.6); short protein forms I463T, I513T.
Identifiers: ClinVar variation 2439404 (VCV002439404.7), dbSNP rs772028343, ClinGen allele CA8974534.